The following is an entry in ClinVar:

NM_000053.4(ATP7B):c.590_591del (p.Leu197fs)

Gene: ATP7B (ATPase copper transporting beta; minus strand). Cytogenetic location: 13q14.3.
Variant type: Deletion.
Coding change: c.590_591del on transcript NM_000053.4 (MANE Select); coding-DNA positions 590 to 591, 2 bases deleted (TC; older notation c.590_591delTC).
Protein change: p.Leu197fs; shifts the reading frame from leucine 197.
Molecular consequence: frameshift variant.
Genome position (GRCh38, 1-based): chr13:51,974,629-51,974,630, GA deleted on the plus strand (TC on the coding strand, the reverse complement: ATP7B is on the minus strand); deleting any 2 consecutive bases within chr13:51,974,629-51,974,631 gives the same sequence; the c. name uses the placement nearest the transcript's 3' end. VCF-style (leftmost placement, unchanged base first): chr13-51974628-TGA-T. GRCh37 (hg19) VCF-style: chr13-52548764-TGA-T.
Other names: c.590_591del, p.Leu197fs (NM_001005918.3, NM_001243182.2, NM_001330578.2 and 1 more transcripts); c.589_590delCT, p.Leu197Glnfs (NM_001406511.1, NM_001406512.1, NM_001406513.1 and 26 more transcripts); c.493_494delCT, p.Leu165Glnfs (NM_001406517.1, NM_001406518.1, NM_001406530.1 and 4 more transcripts); short protein forms L197fs.
Identifiers: ClinVar variation 1725494 (VCV001725494.2), dbSNP rs2547820642, ClinGen allele CA2580087693.
Genomic context (GRCh38, chr13:51,974,628, plus strand): 5'-TTAAGGGAGCCACTTTGCTCTTGATGGCAGCTTCAAATCCCATGTCATTTACATGGTCCC[TGA>T]GGTCTTCGGGCTGAATGAGATAAGGCTGATAAGTGATGACGGCCTCTTGGTTGCTGAGTG-3'

ClinVar aggregate classification (germline): Likely pathogenic (1 of 4 stars; one submission).

Conditions:
Wilson disease (WND). Also called: Wilson's disease. Identifiers: Orphanet 905, MedGen C0019202, MONDO:0010200, OMIM 277900. Disease mechanism: loss of function.

Submission:

Myriad Genetics, Inc.
Classification: Likely pathogenic for Wilson disease. Last evaluated: 2022-03-29. Review status: criteria provided, single submitter. Criteria: Myriad Women's Health Autosomal Recessive and X-Linked Classification Criteria (2021). Collection method: clinical testing. Allele origin: unknown.
Comment: NM_000053.3(ATP7B):c.590_591delTC(L197Qfs*6) is expected to be pathogenic in the context of Wilson disease. This variant is predicted to lead to an abnormal or absent protein product due to the creation of a premature termination codon in ATP7B, a gene where loss-of-function variants are known to be pathogenic. Please note: this variant was assessed in the context of healthy population screening.